The following is an entry in ClinVar:

ClinVar aggregate classification (germline): Benign. Review status: criteria provided, multiple submitters, no conflicts (2 of 4 stars). 2 submissions from 2 submitters: Benign (2). Last evaluated 2018-01-13.

Conditions:
Epidermolysis bullosa simplex due to plakophilin deficiency. Also called: MCGRATH SYNDROME. Identifiers: Orphanet 158668, MedGen C1858302, MONDO:0011472, OMIM 604536.

Allele frequency attached by ClinVar (database versions not stated): 1000 Genomes Project 30x 0.65974; TOPMed 0.67100; 1000 Genomes Project 0.67192; gnomAD 0.67547 and 0.68547; gnomAD exomes 0.92308.
gnomAD v4.1: 104,393 of 151,892 alleles (69%); highest among the groups gnomAD compares: East Asian, 93%; 40,601 homozygotes.

Submissions (2):

Illumina Laboratory Services, Illumina
Classification: Benign for Epidermolysis bullosa simplex due to plakophilin deficiency. Last evaluated: 2018-01-13. Review status: criteria provided, single submitter. Criteria: ICSL Variant Classification Criteria 13 December 2019. Collection method: clinical testing. Allele origin: germline.
Comment: This variant was observed in the ICSL laboratory as part of a predisposition screen in an ostensibly healthy population. It had not been previously curated by ICSL or reported in the Human Gene Mutation Database (HGMD: prior to June 1st, 2018), and was therefore a candidate for classification through an automated scoring system. Utilizing variant allele frequency, disease prevalence and penetrance estimates, and inheritance mode, an automated score was calculated to assess if this variant is too frequent to cause the disease. Based on the score and internal cut-off values, a variant classified as benign is not then subjected to further curation. The score for this variant resulted in a classification of benign for this disease.

Breakthrough Genomics
Classification: Benign. Review status: criteria provided, single submitter. Criteria: ACMG Guidelines, 2015. Collection method: not provided. Allele origin: germline. Inheritance: Autosomal recessive inheritance. Affected: yes.

NM_001005337.3(PKP1):c.*301A>C

Gene: PKP1 (plakophilin 1; plus strand). Cytogenetic location: 1q32.1.
Variant type: single nucleotide variant.
Coding change: c.*301A>C on transcript NM_001005337.3 (MANE Select); 301 bases downstream of the stop codon, A replaced by C.
Molecular consequence: 3 prime UTR variant.
Genome position (GRCh38, 1-based): chr1:201,330,342, A>C. VCF-style: chr1-201330342-A-C. GRCh37 (hg19) VCF-style: chr1-201299470-A-C.
Other names: c.*301A>C (NM_000299.4).
Identifiers: ClinVar variation 294839 (VCV000294839.6), dbSNP rs947376, ClinGen allele CA10608785.